The following is an entry in ClinVar:

ClinVar aggregate classification (germline): Uncertain significance (1 of 4 stars; one submission).

Submission:

Labcorp Genetics (formerly Invitae), Labcorp
Classification: Uncertain significance. Last evaluated: 2025-07-16. Review status: criteria provided, single submitter. Criteria: Invitae Variant Classification Sherloc (09022015). Collection method: clinical testing. Allele origin: germline.
Comment: This sequence change replaces serine, which is neutral and polar, with cysteine, which is neutral and slightly polar, at codon 4265 of the ANK3 protein (p.Ser4265Cys). This variant is not present in population databases (gnomAD no frequency). This variant has not been reported in the literature in individuals affected with ANK3-related conditions. ClinVar contains an entry for this variant (Variation ID: 3650921). Invitae Evidence Modeling of protein sequence and biophysical properties (such as structural, functional, and spatial information, amino acid conservation, physicochemical variation, residue mobility, and thermodynamic stability) indicates that this missense variant is not expected to disrupt ANK3 protein function with a negative predictive value of 80%. In summary, the available evidence is currently insufficient to determine the role of this variant in disease. Therefore, it has been classified as a Variant of Uncertain Significance.

NM_020987.5(ANK3):c.12794C>G (p.Ser4265Cys)

Gene: ANK3 (ankyrin 3; minus strand). Cytogenetic location: 10q21.2.
Variant type: single nucleotide variant.
Coding change: c.12794C>G on transcript NM_020987.5 (MANE Select); coding-DNA position 12794, C replaced by G.
Protein change: p.Ser4265Cys; replaces serine 4265 with cysteine.
Molecular consequence: missense variant.
Genome position (GRCh38, 1-based): chr10:60,055,929, G>C on the plus strand (C>G on the coding strand, the complement: ANK3 is on the minus strand). VCF-style: chr10-60055929-G-C. GRCh37 (hg19) VCF-style: chr10-61815687-G-C.
Other names: c.2666C>G, p.Ser889Cys (NM_001149.4); c.5246C>G, p.Ser1749Cys (NM_001204403.2); c.5267C>G, p.Ser1756Cys (NM_001204404.2); c.5264C>G, p.Ser1755Cys (NM_001320874.2); short protein forms S1755C, S1749C, S1756C, S4265C, S889C.
Identifiers: ClinVar variation 3650921 (VCV003650921.2).